The following is an entry in ClinVar:

NM_000153.4(GALC):c.583-9del

Gene: GALC (galactosylceramidase; minus strand). Cytogenetic location: 14q31.3.
Variant type: Deletion.
Coding change: c.583-9del on transcript NM_000153.4 (MANE Select); 9 bases into the intron before coding-DNA position 583, one base deleted (G; older notation c.583-9delG).
Molecular consequence: intron variant.
Genome position (GRCh38, 1-based): chr14:87,982,252, C deleted on the plus strand (G on the coding strand, the reverse complement: GALC is on the minus strand). VCF-style (leftmost placement, unchanged base first): chr14-87982251-AC-A. GRCh37 (hg19) VCF-style: chr14-88448595-AC-A.
Other names: c.505-9del (NM_001201402.2); c.514-9del (NM_001201401.2).
Identifiers: ClinVar variation 2188927 (VCV002188927.5), dbSNP rs1886782078, ClinGen allele CA2153384578.

ClinVar aggregate classification (germline): Conflicting classifications of pathogenicity. Review status: criteria provided, conflicting classifications (1 of 4 stars). 2 submissions from 2 submitters: Uncertain significance (1); Likely benign (1). Last evaluated 2024-08-13.

Conditions:
Galactosylceramide beta-galactosidase deficiency. Also called: Leukodystrophy, Globoid Cell; GALACTOCEREBROSIDASE DEFICIENCY; GALC DEFICIENCY; GLOBOID CELL LEUKOENCEPHALOPATHY; Krabbe Disease. Identifiers: Orphanet 487, MedGen C0023521, MONDO:0009499, OMIM 245200.

Allele frequency attached by ClinVar (database versions not stated): gnomAD exomes 0.00001.

Submissions (2):

3billion
Classification: Uncertain significance for Galactosylceramide beta-galactosidase deficiency. Last evaluated: 2024-08-13. Review status: criteria provided, single submitter. Criteria: ACMG Guidelines, 2015. Collection method: clinical testing. Allele origin: germline. Affected: yes.
Comment: The variant is observed at an extremely low frequency in the gnomAD v4.0.0 dataset (total allele frequency: <0.001%). Predicted Consequence/Location: Intron variant In silico tools prediction of the variant to alter splicing and produce an abnormal transcript is uncertain [SpliceAI: 0.13 (spliceogenicity >=0.2, non-spliceogenicity <0.1)]. The variant has been reported as benign without evidence for the classification (ClinVar ID: VCV002188927). Therefore, this variant is classified as VUS according to the recommendation of ACMG/AMP guideline.

Labcorp Genetics (formerly Invitae), Labcorp
Classification: Likely benign for Galactosylceramide beta-galactosidase deficiency. Last evaluated: 2023-02-05. Review status: criteria provided, single submitter. Criteria: Invitae Variant Classification Sherloc (09022015). Collection method: clinical testing. Allele origin: germline.